The following is an entry in ClinVar:

NM_033026.6(PCLO):c.7730C>G (p.Thr2577Arg)

Gene: PCLO (piccolo presynaptic cytomatrix protein; minus strand). Cytogenetic location: 7q21.11.
Variant type: single nucleotide variant.
Coding change: c.7730C>G on transcript NM_033026.6 (MANE Select); coding-DNA position 7730, C replaced by G.
Protein change: p.Thr2577Arg; replaces threonine 2577 with arginine.
Molecular consequence: missense variant.
Genome position (GRCh38, 1-based): chr7:82,953,223, G>C on the plus strand (C>G on the coding strand, the complement: PCLO is on the minus strand). VCF-style: chr7-82953223-G-C. GRCh37 (hg19) VCF-style: chr7-82582539-G-C.
Other names: c.7730C>G, p.Thr2577Arg (NM_014510.3); short protein forms T2577R.
Identifiers: ClinVar variation 1402933 (VCV001402933.6), dbSNP rs1052351310, ClinGen allele CA161146072.
Genomic context (GRCh38, chr7:82,953,223, plus strand): 5'-GCAGAAGAATCTGTTGGAGTCCCTGGTTCAGATGGCAATGTAATAACTACATAAGTTTCT[G>C]TGAGGGATTTGGAAAATCTTGGTGAAGACTTGTTGGAGTGTGGGGAAAGTGGGGAGGTAG-3'
Protein context (NP_149015.2, residues 2567-2587): KSSPRFSKSL[Thr2577Arg]ETYVVITLPS

ClinVar aggregate classification (germline): Uncertain significance (1 of 4 stars; one submission).

Allele frequency attached by ClinVar (database versions not stated): gnomAD 0.00001; TOPMed 0.00001.
gnomAD v4.1: 5 of 1,613,848 alleles (0.00031%); highest among the groups gnomAD compares: Non-Finnish European, 0.00042%; no homozygotes.

Submission:

Labcorp Genetics (formerly Invitae), Labcorp
Classification: Uncertain significance. Last evaluated: 2025-10-02. Review status: criteria provided, single submitter. Criteria: Invitae Variant Classification Sherloc (09022015). Collection method: clinical testing. Allele origin: germline.
Comment: This sequence change replaces threonine, which is neutral and polar, with arginine, which is basic and polar, at codon 2577 of the PCLO protein (p.Thr2577Arg). This variant is not present in population databases (gnomAD no frequency). This variant has not been reported in the literature in individuals affected with PCLO-related conditions. ClinVar contains an entry for this variant (Variation ID: 1402933). Experimental studies and prediction algorithms are not available or were not evaluated, and the functional significance of this variant is currently unknown. In summary, the available evidence is currently insufficient to determine the role of this variant in disease. Therefore, it has been classified as a Variant of Uncertain Significance.